The following is an entry in ClinVar:

NM_005257.6(GATA6):c.1136-3C>A

Gene: GATA6 (GATA binding protein 6; plus strand). Cytogenetic location: 18q11.2.
Variant type: single nucleotide variant.
Coding change: c.1136-3C>A on transcript NM_005257.6 (MANE Select); 3 bases into the intron before coding-DNA position 1136, C replaced by A.
Molecular consequence: intron variant.
Genome position (GRCh38, 1-based): chr18:22,176,952, C>A. VCF-style: chr18-22176952-C-A. GRCh37 (hg19) VCF-style: chr18-19756913-C-A.
Identifiers: ClinVar variation 2635908 (VCV002635908.4), dbSNP rs2510629501, ClinGen allele CA2548663564.

ClinVar aggregate classification (germline): Uncertain significance. Review status: criteria provided, multiple submitters, no conflicts (2 of 4 stars). 3 submissions from 3 submitters: Uncertain significance (2). 1 of the submissions does not count toward it. Last evaluated 2024-11-04.

Conditions:
GATA6-related disorder. Also called: GATA6-related condition.

Allele frequency attached by ClinVar (database versions not stated): gnomAD exomes below 0.00001.
gnomAD v4.1: 3 of 1,549,344 alleles (0.00019%); highest among the groups gnomAD compares: Non-Finnish European, 0.00026%; no homozygotes.

Submissions (3):

Blueprint Genetics
Classification: Uncertain significance. Last evaluated: 2024-11-04. Review status: criteria provided, single submitter. Criteria: ACMG Guidelines, 2015. Collection method: clinical testing. Allele origin: germline.

GeneDx
Classification: Uncertain significance. Last evaluated: 2024-06-28. Review status: criteria provided, single submitter. Criteria: GeneDx Variant Classification Process June 2021. Collection method: clinical testing. Allele origin: germline. Affected: yes.
Comment: Not observed at significant frequency in large population cohorts (gnomAD); In silico analysis is inconclusive as to whether the variant alters gene splicing. In the absence of RNA/functional studies, the actual effect of this sequence change is unknown.; Has not been previously published as pathogenic or benign to our knowledge

PreventionGenetics, part of Exact Sciences
Classification: Uncertain significance for GATA6-related condition. Last evaluated: 2024-05-14. Review status: no assertion criteria provided. Collection method: clinical testing. Allele origin: germline. Not counted in ClinVar's aggregate classification.
Comment: The GATA6 c.1136-3C>A variant is predicted to interfere with splicing. This variant is predicted to weaken the splice acceptor site (SpliceAI, Jaganathan et al. 2019. PubMed ID: 30661751). To our knowledge, this variant has not been reported in the literature or in a large population database, indicating this variant is rare. At this time, the clinical significance of this variant is uncertain due to the absence of conclusive functional and genetic evidence.